The following is an entry in ClinVar:

NM_000760.4(CSF3R):c.425G>T (p.Cys142Phe)

Gene: CSF3R (colony stimulating factor 3 receptor; minus strand). Cytogenetic location: 1p34.3.
Variant type: single nucleotide variant.
Coding change: c.425G>T on transcript NM_000760.4 (MANE Select); coding-DNA position 425, G replaced by T.
Protein change: p.Cys142Phe; replaces cysteine 142 with phenylalanine.
Molecular consequence: missense variant.
Genome position (GRCh38, 1-based): chr1:36,473,824, C>A on the plus strand (G>T on the coding strand, the complement: CSF3R is on the minus strand). VCF-style: chr1-36473824-C-A. GRCh37 (hg19) VCF-style: chr1-36939425-C-A.
Other names: c.425G>T, p.Cys142Phe (NM_156039.3, NM_172313.3); short protein forms C142F.
Identifiers: ClinVar variation 1386578 (VCV001386578.6), dbSNP rs2124129472, ClinGen allele CA339424065.

ClinVar aggregate classification (germline): Uncertain significance (1 of 4 stars; one submission).

Conditions:
Autosomal recessive severe congenital neutropenia due to CSF3R deficiency. Also called: Neutropenia, severe congenital, 7, autosomal recessive. Identifiers: Orphanet 420702, MedGen C4310764, MONDO:0014865, OMIM 617014.

Submission:

Labcorp Genetics (formerly Invitae), Labcorp
Classification: Uncertain significance for Autosomal recessive severe congenital neutropenia due to CSF3R deficiency. Last evaluated: 2025-08-24. Review status: criteria provided, single submitter. Criteria: Invitae Variant Classification Sherloc (09022015). Collection method: clinical testing. Allele origin: germline.
Comment: This sequence change replaces cysteine, which is neutral and slightly polar, with phenylalanine, which is neutral and non-polar, at codon 142 of the CSF3R protein (p.Cys142Phe). This variant is not present in population databases (gnomAD no frequency). This variant has not been reported in the literature in individuals affected with CSF3R-related conditions. ClinVar contains an entry for this variant (Variation ID: 1386578). Invitae Evidence Modeling of protein sequence and biophysical properties (such as structural, functional, and spatial information, amino acid conservation, physicochemical variation, residue mobility, and thermodynamic stability) indicates that this missense variant is expected to disrupt CSF3R protein function with a positive predictive value of 80%. In summary, the available evidence is currently insufficient to determine the role of this variant in disease. Therefore, it has been classified as a Variant of Uncertain Significance.